The following is an entry in ClinVar:

ClinVar aggregate classification (germline): Uncertain significance (1 of 4 stars; one submission).

Allele frequency attached by ClinVar (database versions not stated): gnomAD 0.00002.
gnomAD v4.1: 4 of 1,613,946 alleles (0.00025%); highest among the groups gnomAD compares: African/African-American, 0.0053%; no homozygotes.

Submission:

Labcorp Genetics (formerly Invitae), Labcorp
Classification: Uncertain significance. Last evaluated: 2025-11-01. Review status: criteria provided, single submitter. Criteria: Invitae Variant Classification Sherloc (09022015). Collection method: clinical testing. Allele origin: germline.
Comment: This sequence change replaces alanine, which is neutral and non-polar, with threonine, which is neutral and polar, at codon 2503 of the KMT2A protein (p.Ala2503Thr). This variant is present in population databases (no rsID available, gnomAD 0.01%). This variant has not been reported in the literature in individuals affected with KMT2A-related conditions. ClinVar contains an entry for this variant (Variation ID: 1353333). Invitae Evidence Modeling of protein sequence and biophysical properties (such as structural, functional, and spatial information, amino acid conservation, physicochemical variation, residue mobility, and thermodynamic stability) indicates that this missense variant is not expected to disrupt KMT2A protein function with a negative predictive value of 95%. In summary, the available evidence is currently insufficient to determine the role of this variant in disease. Therefore, it has been classified as a Variant of Uncertain Significance.

NM_001197104.2(KMT2A):c.7507G>A (p.Ala2503Thr)

Gene: KMT2A (lysine methyltransferase 2A; plus strand). Cytogenetic location: 11q23.3.
Variant type: single nucleotide variant.
Coding change: c.7507G>A on transcript NM_001197104.2 (MANE Select); coding-DNA position 7507, G replaced by A.
Protein change: p.Ala2503Thr; replaces alanine 2503 with threonine.
Molecular consequence: missense variant.
Genome position (GRCh38, 1-based): chr11:118,503,399, G>A. VCF-style: chr11-118503399-G-A. GRCh37 (hg19) VCF-style: chr11-118374114-G-A.
Other names: c.7498G>A, p.Ala2500Thr (NM_005933.4); short protein forms A2500T, A2503T.
Identifiers: ClinVar variation 1353333 (VCV001353333.8), dbSNP rs956195571, ClinGen allele CA229526877.